The following is an entry in ClinVar:

ClinVar aggregate classification (germline): Uncertain significance. Review status: criteria provided, multiple submitters, no conflicts (2 of 4 stars). 2 submissions from 2 submitters: Uncertain significance (2). Last evaluated 2022-08-03.

Conditions:
Cardiovascular phenotype. Identifiers: MedGen CN230736.

Allele frequency attached by ClinVar (database versions not stated): gnomAD exomes below 0.00001.
gnomAD v4.1: 1 of 1,612,680 alleles (0.000062%); highest among the groups gnomAD compares: Non-Finnish European, 0.000085%; no homozygotes.

Submissions (2):

Ambry Genetics
Classification: Uncertain significance for Cardiovascular phenotype. Last evaluated: 2022-08-03. Review status: criteria provided, single submitter. Criteria: Ambry Variant Classification Scheme 2023. Collection method: clinical testing. Allele origin: germline.
Comment: The p.R97G variant (also known as c.289A>G), located in coding exon 3 of the SOS1 gene, results from an A to G substitution at nucleotide position 289. The arginine at codon 97 is replaced by glycine, an amino acid with dissimilar properties. This amino acid position is conserved. In addition, this alteration is predicted to be tolerated by in silico analysis. Since supporting evidence is limited at this time, the clinical significance of this alteration remains unclear.

GeneDx
Classification: Uncertain significance. Last evaluated: 2022-06-20. Review status: criteria provided, single submitter. Criteria: GeneDx Variant Classification Process June 2021. Collection method: clinical testing. Allele origin: germline. Affected: yes.
Comment: Not observed at significant frequency in large population cohorts (gnomAD); Missense variants in this gene are often considered pathogenic (HGMD); In silico analysis supports that this missense variant does not alter protein structure/function; Has not been previously published as pathogenic or benign to our knowledge

NM_005633.4(SOS1):c.289A>G (p.Arg97Gly)

Gene: SOS1 (SOS Ras/Rac guanine nucleotide exchange factor 1; minus strand). Cytogenetic location: 2p22.1.
Variant type: single nucleotide variant.
Coding change: c.289A>G on transcript NM_005633.4 (MANE Select); coding-DNA position 289, A replaced by G.
Protein change: p.Arg97Gly; replaces arginine 97 with glycine.
Molecular consequence: missense variant.
Genome position (GRCh38, 1-based): chr2:39,058,729, T>C on the plus strand (A>G on the coding strand, the complement: SOS1 is on the minus strand). VCF-style: chr2-39058729-T-C. GRCh37 (hg19) VCF-style: chr2-39285870-T-C.
Other names: c.268A>G, p.Arg90Gly (NM_001382394.1); c.289A>G, p.Arg97Gly (NM_001382395.1); short protein forms R90G, R97G.
Identifiers: ClinVar variation 1797385 (VCV001797385.3), dbSNP rs2465361297, ClinGen allele CA346373897.